The following is an entry in ClinVar:

ClinVar aggregate classification (germline): Conflicting classifications of pathogenicity. Review status: criteria provided, conflicting classifications (1 of 4 stars). 2 submissions from 2 submitters: Uncertain significance (1); Benign (1). Last evaluated 2025-05-18.

Conditions:
Primary ciliary dyskinesia. Also called: Ciliary dyskinesia. Identifiers: Orphanet 244, MedGen C0008780, MONDO:0016575, HP:0012265.

Allele frequency attached by ClinVar (database versions not stated): gnomAD exomes 0.00001.
gnomAD v4.1: 3 of 1,614,014 alleles (0.00019%); highest among the groups gnomAD compares: Admixed American, 0.005%; no homozygotes.

Submissions (2):

Ambry Genetics
Classification: Uncertain significance for Primary ciliary dyskinesia. Last evaluated: 2025-05-18. Review status: criteria provided, single submitter. Criteria: Ambry Variant Classification Scheme 2023. Collection method: clinical testing. Allele origin: germline.
Comment: The p.K3958Q variant (also known as c.11872A>C), located in coding exon 73 of the DNAH11 gene, results from an A to C substitution at nucleotide position 11872. The lysine at codon 3958 is replaced by glutamine, an amino acid with similar properties. This amino acid position is conserved. In addition, this alteration is predicted to be tolerated by in silico analysis. Based on the available evidence, the clinical significance of this variant remains unclear.

Labcorp Genetics (formerly Invitae), Labcorp
Classification: Benign for Primary ciliary dyskinesia. Last evaluated: 2023-12-14. Review status: criteria provided, single submitter. Criteria: Invitae Variant Classification Sherloc (09022015). Collection method: clinical testing. Allele origin: germline.

NM_001277115.2(DNAH11):c.11872A>C (p.Lys3958Gln)

Gene: DNAH11 (dynein axonemal heavy chain 11; plus strand). Cytogenetic location: 7p15.3.
Variant type: single nucleotide variant.
Coding change: c.11872A>C on transcript NM_001277115.2 (MANE Select); coding-DNA position 11872, A replaced by C.
Protein change: p.Lys3958Gln; replaces lysine 3958 with glutamine.
Molecular consequence: missense variant.
Genome position (GRCh38, 1-based): chr7:21,868,896, A>C. VCF-style: chr7-21868896-A-C. GRCh37 (hg19) VCF-style: chr7-21908514-A-C.
Other names: c.11872A>C (NM_001277115.1); short protein forms K3958Q.
Identifiers: ClinVar variation 1046846 (VCV001046846.11), dbSNP rs1360840874, ClinGen allele CA366962710.